The following is an entry in ClinVar:

NM_012123.4(MTO1):c.1574G>C (p.Ser525Thr)

Gene: MTO1 (mitochondrial tRNA translation optimization 1; plus strand). Cytogenetic location: 6q13.
Variant type: single nucleotide variant.
Coding change: c.1574G>C on transcript NM_012123.4 (MANE Select); coding-DNA position 1574, G replaced by C.
Protein change: p.Ser525Thr; replaces serine 525 with threonine.
Molecular consequence: missense variant.
Genome position (GRCh38, 1-based): chr6:73,482,557, G>C. VCF-style: chr6-73482557-G-C. GRCh37 (hg19) VCF-style: chr6-74192280-G-C.
Other names: c.1694G>C, p.Ser565Thr (NM_001123226.2); c.1649G>C, p.Ser550Thr (NM_133645.3); short protein forms S565T, S525T, S550T.
Identifiers: ClinVar variation 2839000 (VCV002839000.3), dbSNP rs2533285629, ClinGen allele CA364717556.
Genomic context (GRCh38, chr6:73,482,557, plus strand): 5'-GTTGGATGAAGTCTTCTTTAGAAGAAGGCATTTCTGTGTTGAAATCTATTGAGTTTTTGA[G>C]CTCTAAATGGAAAAAATTAATCCCAGAGGCTTCTATAAGTACTAGTAGAAGTCTGCCTGT-3'
Protein context (NP_036255.2, residues 515-535): ISVLKSIEFL[Ser525Thr]SKWKKLIPEA

ClinVar aggregate classification (germline): Uncertain significance (1 of 4 stars; one submission).

Conditions:
Mitochondrial hypertrophic cardiomyopathy with lactic acidosis due to MTO1 deficiency. Also called: CARDIOMYOPATHY, INFANTILE HYPERTROPHIC MITOCHONDRIAL, AND LACTIC ACIDOSIS; Combined oxidative phosphorylation deficiency 10. Identifiers: Orphanet 314637, MedGen C4749921, MONDO:0013865, OMIM 614702.

Submission:

Labcorp Genetics (formerly Invitae), Labcorp
Classification: Uncertain significance for Mitochondrial hypertrophic cardiomyopathy with lactic acidosis due to MTO1 deficiency. Last evaluated: 2023-02-19. Review status: criteria provided, single submitter. Criteria: Invitae Variant Classification Sherloc (09022015). Collection method: clinical testing. Allele origin: germline.
Comment: In summary, the available evidence is currently insufficient to determine the role of this variant in disease. Therefore, it has been classified as a Variant of Uncertain Significance. Advanced modeling of protein sequence and biophysical properties (such as structural, functional, and spatial information, amino acid conservation, physicochemical variation, residue mobility, and thermodynamic stability) performed at Invitae indicates that this missense variant is not expected to disrupt MTO1 protein function. This variant has not been reported in the literature in individuals affected with MTO1-related conditions. This variant is not present in population databases (gnomAD no frequency). This sequence change replaces serine, which is neutral and polar, with threonine, which is neutral and polar, at codon 525 of the MTO1 protein (p.Ser525Thr).